The following is an entry in ClinVar:

ClinVar aggregate classification (germline): Pathogenic. Review status: criteria provided, multiple submitters, no conflicts (2 of 4 stars). 3 submissions from 3 submitters: Pathogenic (3). Last evaluated 2024-11-27.

Conditions:
Recessive dystrophic epidermolysis bullosa (RDEB). Also called: DYSTROPHIC EPIDERMOLYSIS BULLOSA, AUTOSOMAL RECESSIVE; EPIDERMOLYSIS BULLOSA DYSTROPHICA, HALLOPEAU-SIEMENS TYPE; EPIDERMOLYSIS BULLOSA DYSTROPHICA, GENERALIZED SEVERE, AUTOSOMAL RECESSIVE; Epidermolysis Bullosa Distrophica Autosomal Recessive (RDEB); epidermolysis bullosa dystrophica, autosomal recessive; Recessive DEB (RDEB). Identifiers: Orphanet 79408, Orphanet 79409, MedGen C0079474, MONDO:0009179, OMIM 226600.
Pretibial dystrophic epidermolysis bullosa. Also called: EPIDERMOLYSIS BULLOSA DYSTROPHICA, PRETIBIAL; Pretibial epidermolysis bullosa; Pretibial blistering. Identifiers: Orphanet 79410, MedGen C0432321, MONDO:0007552, OMIM 131850, HP:0012221.

Submissions (3):

Myriad Genetics, Inc.
Classification: Pathogenic for Recessive dystrophic epidermolysis bullosa. Last evaluated: 2024-11-27. Review status: criteria provided, single submitter. Criteria: Myriad Autosomal Dominant, Autosomal Recessive and X-Linked Classification Criteria (2023). Collection method: clinical testing. Allele origin: unknown.
Comment: NM_000094.3(COL7A1):c.8263delG(A2755Lfs*31) is expected to be pathogenic in the context of dystrophic epidermolysis bullosa. This variant is predicted to lead to an abnormal or absent protein product due to the creation of a premature termination codon in COL7A1, a gene where loss-of-function variants are known to be pathogenic. Please note: this variant was assessed in the context of healthy population screening.

3billion
Classification: Pathogenic for Pretibial dystrophic epidermolysis bullosa. Last evaluated: 2024-10-22. Review status: criteria provided, single submitter. Criteria: ACMG Guidelines, 2015. Collection method: clinical testing. Allele origin: germline. Affected: yes.
Comment: The variant is not observed in the gnomAD v4.1.0 dataset. Predicted Consequence/Location: Frameshift: predicted to result in a loss or disruption of normal protein function through nonsense-mediated decay (NMD) or protein truncation. Multiple pathogenic variants are reported downstream of the variant. The variant has been reported to be associated with COL7A1 related disorder (ClinVar ID: VCV001074416 /PMID: 33274474). Therefore, this variant is classified as Pathogenic according to the recommendation of ACMG/AMP guideline.

Labcorp Genetics (formerly Invitae), Labcorp
Classification: Pathogenic. Last evaluated: 2020-12-11. Review status: criteria provided, single submitter. Criteria: Invitae Variant Classification Sherloc (09022015). Collection method: clinical testing. Allele origin: germline.
Comment: For these reasons, this variant has been classified as Pathogenic. This sequence change creates a premature translational stop signal (p.Ala2755Leufs*31) in the COL7A1 gene. It is expected to result in an absent or disrupted protein product. Loss-of-function variants in COL7A1 are known to be pathogenic (PMID: 16971478). This variant is not present in population databases (ExAC no frequency). This variant has not been reported in the literature in individuals with COL7A1-related conditions.

Literature cited by the submitters: PubMed 33274474 (cited by 3billion); PubMed 16971478 (cited by Labcorp Genetics (formerly Invitae), Labcorp).

NM_000094.4(COL7A1):c.8263del (p.Ala2755fs)

Gene: COL7A1 (collagen type VII alpha 1 chain; minus strand). Cytogenetic location: 3p21.31.
Variant type: Deletion.
Coding change: c.8263del on transcript NM_000094.4 (MANE Select); coding-DNA position 8263, one base deleted (G; older notation c.8263delG).
Protein change: p.Ala2755fs; shifts the reading frame from alanine 2755.
Molecular consequence: frameshift variant.
Genome position (GRCh38, 1-based): chr3:48,566,701, C deleted on the plus strand (G on the coding strand, the reverse complement: COL7A1 is on the minus strand); the first of 5 consecutive C bases (chr3:48,566,701-48,566,705); deleting any one gives the same sequence. VCF-style (leftmost placement, unchanged base first): chr3-48566700-GC-G. GRCh37 (hg19) VCF-style: chr3-48604133-GC-G.
Other names: short protein forms A2755fs.
Identifiers: ClinVar variation 1074416 (VCV001074416.7), dbSNP rs2107631937, ClinGen allele CA2499216819.